The following is an entry in ClinVar:

ClinVar aggregate classification (germline): Uncertain significance. Review status: criteria provided, multiple submitters, no conflicts (2 of 4 stars). 4 submissions from 4 submitters: Uncertain significance (3). 1 of the submissions does not count toward it. Last evaluated 2024-04-12.

Conditions:
Autosomal recessive polycystic kidney disease (ARPKD). Also called: AR polycystic kidney disease. Identifiers: Orphanet 731, Orphanet 8378, MedGen C0085548, MeSH D017044, MONDO:0009889.
Polycystic kidney disease 4 (PKD4). Also called: POLYCYSTIC KIDNEY DISEASE 4 WITH OR WITHOUT POLYCYSTIC LIVER DISEASE; POLYCYSTIC KIDNEY AND HEPATIC DISEASE 1; POLYCYSTIC KIDNEY DISEASE, INFANTILE, TYPE I; PKD3; Autosomal Recessive Polycystic Kidney Disease – PKHD1. Identifiers: MedGen C4540575, MONDO:0033004, OMIM 263200.
PKHD1-related disorder. Also called: PKHD1-related condition.

Allele frequency attached by ClinVar (database versions not stated): gnomAD exomes 0.00001; ExAC 0.00002; gnomAD 0.00003.
gnomAD v4.1: 18 of 1,614,052 alleles (0.0011%); highest among the groups gnomAD compares: Admixed American, 0.012%; no homozygotes.

Submissions (4):

Fulgent Genetics
Classification: Uncertain significance for Polycystic kidney disease 4. Last evaluated: 2024-04-12. Review status: criteria provided, single submitter. Criteria: ACMG Guidelines, 2015. Collection method: clinical testing. Allele origin: germline.

Blueprint Genetics
Classification: Uncertain significance. Last evaluated: 2022-12-15. Review status: criteria provided, single submitter. Criteria: ACMG Guidelines, 2015. Collection method: clinical testing. Allele origin: germline.

Labcorp Genetics (formerly Invitae), Labcorp
Classification: Uncertain significance for Autosomal recessive polycystic kidney disease. Last evaluated: 2022-05-05. Review status: criteria provided, single submitter. Criteria: Invitae Variant Classification Sherloc (09022015). Collection method: clinical testing. Allele origin: germline.
Comment: This sequence change replaces tyrosine, which is neutral and polar, with cysteine, which is neutral and slightly polar, at codon 1364 of the PKHD1 protein (p.Tyr1364Cys). This variant is present in population databases (rs749952769, gnomAD 0.01%). This variant has not been reported in the literature in individuals affected with PKHD1-related conditions. Advanced modeling of protein sequence and biophysical properties (such as structural, functional, and spatial information, amino acid conservation, physicochemical variation, residue mobility, and thermodynamic stability) performed at Invitae indicates that this missense variant is expected to disrupt PKHD1 protein function. In summary, the available evidence is currently insufficient to determine the role of this variant in disease. Therefore, it has been classified as a Variant of Uncertain Significance.

PreventionGenetics, part of Exact Sciences
Classification: Uncertain significance for PKHD1-related condition. Last evaluated: 2024-01-13. Review status: no assertion criteria provided. Collection method: clinical testing. Allele origin: germline. Not counted in ClinVar's aggregate classification.
Comment: The PKHD1 c.4091A>G variant is predicted to result in the amino acid substitution p.Tyr1364Cys. This variant has been reported in heterozygous state in absence of a second variant in patient with polycystic kidney disease (Table S3, Burgmaier et al. 2021. PubMed ID: 33940108). This variant is reported in 0.014% of alleles in individuals of Latino descent in gnomAD. At this time, the clinical significance of this variant is uncertain due to the absence of conclusive functional and genetic evidence.

NM_138694.4(PKHD1):c.4091A>G (p.Tyr1364Cys)

Gene: PKHD1 (PKHD1 ciliary IPT domain containing fibrocystin/polyductin; minus strand). Cytogenetic location: 6p12.2.
Variant type: single nucleotide variant.
Coding change: c.4091A>G on transcript NM_138694.4 (MANE Select); coding-DNA position 4091, A replaced by G.
Protein change: p.Tyr1364Cys; replaces tyrosine 1364 with cysteine.
Molecular consequence: missense variant.
Genome position (GRCh38, 1-based): chr6:52,025,719, T>C on the plus strand (A>G on the coding strand, the complement: PKHD1 is on the minus strand). VCF-style: chr6-52025719-T-C. GRCh37 (hg19) VCF-style: chr6-51890517-T-C.
Other names: c.4091A>G, p.Tyr1364Cys (NM_170724.3); c.4091A>G (NM_138694.3); short protein forms Y1364C.
Identifiers: ClinVar variation 2415681 (VCV002415681.8), dbSNP rs749952769, ClinGen allele CA3852783.